The following is an entry in ClinVar:

ClinVar aggregate classification (germline): Conflicting classifications of pathogenicity. Review status: criteria provided, conflicting classifications (1 of 4 stars). 3 submissions from 3 submitters: Uncertain significance (1); Likely benign (2). Last evaluated 2025-12-03.

Conditions:
Rubinstein-Taybi syndrome (RSTS). Identifiers: Orphanet 783, MedGen C0035934, MONDO:0019188.
CREBBP-related disorder. Also called: CREBBP-related condition; CREBBP-related disorders.

gnomAD v4.1: 45 of 1,614,122 alleles (0.0028%); highest among the groups gnomAD compares: South Asian, 0.041%; no homozygotes.

Submissions (3):

PreventionGenetics, part of Exact Sciences
Classification: Uncertain significance for CREBBP-related condition. Last evaluated: 2025-12-03. Review status: criteria provided, single submitter. Criteria: ACMG Guidelines, 2015. Collection method: clinical testing. Allele origin: germline.
Comment: The CREBBP c.3048G>C variant is predicted to result in the amino acid substitution p.Glu1016Asp. To our knowledge, this variant has not been reported in the literature. This variant is reported in 0.039% of alleles in individuals of South Asian descent in gnomAD. Although we suspect that this variant may be benign, at this time, the clinical significance of this variant is uncertain due to the absence of conclusive functional and genetic evidence.

Labcorp Genetics (formerly Invitae), Labcorp
Classification: Likely benign for Rubinstein-Taybi syndrome. Last evaluated: 2025-10-31. Review status: criteria provided, single submitter. Criteria: Invitae Variant Classification Sherloc (09022015). Collection method: clinical testing. Allele origin: germline.

Blueprint Genetics
Classification: Likely benign. Last evaluated: 2023-10-18. Review status: criteria provided, single submitter. Criteria: ACMG Guidelines, 2015. Collection method: clinical testing. Allele origin: germline.

NM_004380.3(CREBBP):c.3048G>C (p.Glu1016Asp)

Gene: CREBBP (CREB binding lysine acetyltransferase; minus strand). Cytogenetic location: 16p13.3.
Variant type: single nucleotide variant.
Coding change: c.3048G>C on transcript NM_004380.3 (MANE Select); coding-DNA position 3048, G replaced by C.
Protein change: p.Glu1016Asp; replaces glutamic acid 1016 with aspartic acid.
Molecular consequence: missense variant.
Genome position (GRCh38, 1-based): chr16:3,769,186, C>G on the plus strand (G>C on the coding strand, the complement: CREBBP is on the minus strand). VCF-style: chr16-3769186-C-G. GRCh37 (hg19) VCF-style: chr16-3819187-C-G.
Other names: c.3048G>C (NM_004380.2); c.2934G>C, p.Glu978Asp (NM_001079846.1); short protein forms E1016D, E978D.
Identifiers: ClinVar variation 4806728 (VCV004806728.3).